The following is an entry in ClinVar:

ClinVar aggregate classification (germline): Uncertain significance (1 of 4 stars; one submission).

Submission:

Ambry Genetics
Classification: Uncertain significance. Last evaluated: 2023-05-05. Review status: criteria provided, single submitter. Criteria: Ambry Variant Classification Scheme 2023. Collection method: clinical testing. Allele origin: germline.
Comment: The p.F200L variant (also known as c.600T>G), located in coding exon 5 of the RECQL gene, results from a T to G substitution at nucleotide position 600. The phenylalanine at codon 200 is replaced by leucine, an amino acid with highly similar properties. This amino acid position is well conserved in available vertebrate species. In addition, this alteration is predicted to be tolerated by in silico analysis. Since supporting evidence is limited at this time, the clinical significance of this alteration remains unclear.

NM_002907.4(RECQL):c.600T>G (p.Phe200Leu)

Gene: RECQL (RecQ like helicase; minus strand). Cytogenetic location: 12p12.1.
Variant type: single nucleotide variant.
Coding change: c.600T>G on transcript NM_002907.4 (MANE Select); coding-DNA position 600, T replaced by G.
Protein change: p.Phe200Leu; replaces phenylalanine 200 with leucine.
Molecular consequence: missense variant.
Genome position (GRCh38, 1-based): chr12:21,483,476, A>C on the plus strand (T>G on the coding strand, the complement: RECQL is on the minus strand). VCF-style: chr12-21483476-A-C. GRCh37 (hg19) VCF-style: chr12-21636410-A-C.
Other names: c.600T>G, p.Phe200Leu (NM_032941.3); short protein forms F200L.
Identifiers: ClinVar variation 1751075 (VCV001751075.3), dbSNP rs2540375175, ClinGen allele CA384127279.
Genomic context (GRCh38, chr12:21,483,476, plus strand): 5'-TTCATCCACAGCAATTCGAGTAAATCTCCTTGCTTCATAGGCTTTCTCTAGTCTTGACAT[A>C]AACATTTTGCTTTTTGCAATTTTCTCTGGAGTCACATAAATCAGCTTTAACTCGGAGTTT-3'
Protein context (NP_002898.2, residues 190-210): TPEKIAKSKM[Phe200Leu]MSRLEKAYEA